The following is an entry in ClinVar:

ClinVar aggregate classification (germline): Benign/Likely benign. Review status: criteria provided, multiple submitters, no conflicts (2 of 4 stars). 6 submissions from 6 submitters: Benign (5); Likely benign (1). Last evaluated 2026-03-01.

Conditions:
Interstitial lung disease 1. Identifiers: MedGen C5562021, MONDO:0030608, OMIM 619611.

Allele frequency attached by ClinVar (database versions not stated): 1000 Genomes Project 0.00539; 1000 Genomes Project 30x 0.00578; ExAC 0.00722; TOPMed 0.00883; gnomAD 0.01022; ESP Exome Variant Server 0.01192.
gnomAD v4.1: 14,824 of 1,613,396 alleles (0.92%); highest among the groups gnomAD compares: African/African-American, 1.2%; 94 homozygotes.

Submissions (6):

CeGaT Center for Human Genetics Tuebingen
Classification: Benign. Last evaluated: 2026-03-01. Review status: criteria provided, single submitter. Criteria: CeGaT Center For Human Genetics Tuebingen Variant Classification Criteria Version 2. Collection method: clinical testing. Allele origin: germline. Affected: yes. Observed: 3 variant alleles.
Comment: SFTPA1: BS1, BS2

Blueprint Genetics
Classification: Likely benign. Last evaluated: 2024-11-26. Review status: criteria provided, single submitter. Criteria: ACMG Guidelines, 2015. Collection method: clinical testing. Allele origin: germline.

Department of Pathology and Laboratory Medicine, Sinai Health System
Classification: Benign for Interstitial lung disease 1. Last evaluated: 2023-01-22. Review status: criteria provided, single submitter. Criteria: ACMG Guidelines, 2015. Collection method: research. Allele origin: germline.

Labcorp Genetics (formerly Invitae), Labcorp
Classification: Benign. Last evaluated: 2019-12-31. Review status: criteria provided, single submitter. Criteria: Invitae Variant Classification Sherloc (09022015). Collection method: clinical testing. Allele origin: germline.

Laboratory for Molecular Medicine, Mass General Brigham Personalized Medicine
Classification: Benign. Last evaluated: 2013-02-21. Review status: criteria provided, single submitter. Criteria: LMM Criteria. Collection method: clinical testing. Allele origin: germline. Observed: 2 variant alleles.
Comment: Pro106Ala in exon 4 of SFTPA1: This variant is not expected to have clinical sig nificance because it has been identified in 1.4% (61/4406) of African American c hromosomes from a broad population by the NHLBI Exome Sequencing Project (dbSNP rs1136452).

Breakthrough Genomics
Classification: Benign. Review status: criteria provided, single submitter. Criteria: ACMG Guidelines, 2015. Collection method: not provided. Allele origin: germline. Inheritance: Autosomal dominant inheritance. Affected: yes.

NM_005411.5(SFTPA1):c.271C>G (p.Pro91Ala)

Gene: SFTPA1 (surfactant protein A1; plus strand). Cytogenetic location: 10q22.3.
Variant type: single nucleotide variant.
Coding change: c.271C>G on transcript NM_005411.5 (MANE Select); coding-DNA position 271, C replaced by G.
Protein change: p.Pro91Ala; replaces proline 91 with alanine.
Molecular consequence: missense variant.
Genome position (GRCh38, 1-based): chr10:79,612,410, C>G. VCF-style: chr10-79612410-C-G. GRCh37 (hg19) VCF-style: chr10-81372166-C-G.
Other names: c.316C>G, p.Pro106Ala (NM_001093770.3); c.271C>G, p.Pro91Ala (NM_001164644.2, NM_001164647.1); c.169C>G, p.Pro57Ala (NM_001164645.2); c.124C>G, p.Pro42Ala (NM_001164646.2); short protein forms P106A, P91A, P57A, P42A.
Identifiers: ClinVar variation 165198 (VCV000165198.31), dbSNP rs1136452, ClinGen allele CA177924.
Genomic context (GRCh38, chr10:79,612,410, plus strand): 5'-GGAAATGATGGGCTGCCTGGAGCCCCTGGTATCCCTGGAGAGTGTGGAGAGAAGGGGGAG[C>G]CTGGCGAGAGGGGCCCTCCAGGTGAGCAGGGTGGGGCAGGTGGGCAGTGGAAACATGGGC-3'
Protein context (NP_005402.3, residues 81-101): IPGECGEKGE[Pro91Ala]GERGPPGLPA